The following is an entry in ClinVar:

ClinVar aggregate classification (germline): Uncertain significance (1 of 4 stars; one submission).

Allele frequency attached by ClinVar (database versions not stated): TOPMed below 0.00001; gnomAD exomes 0.00001.
gnomAD v4.1: 8 of 1,614,068 alleles (0.0005%); highest among the groups gnomAD compares: Non-Finnish European, 0.00068%; no homozygotes.

Submission:

Labcorp Genetics (formerly Invitae), Labcorp
Classification: Uncertain significance. Last evaluated: 2022-10-05. Review status: criteria provided, single submitter. Criteria: Invitae Variant Classification Sherloc (09022015). Collection method: clinical testing. Allele origin: germline.
Comment: In summary, the available evidence is currently insufficient to determine the role of this variant in disease. Therefore, it has been classified as a Variant of Uncertain Significance. Advanced modeling of protein sequence and biophysical properties (such as structural, functional, and spatial information, amino acid conservation, physicochemical variation, residue mobility, and thermodynamic stability) performed at Invitae indicates that this missense variant is not expected to disrupt PDE6A protein function. This variant has not been reported in the literature in individuals affected with PDE6A-related conditions. This variant is not present in population databases (gnomAD no frequency). This sequence change replaces alanine, which is neutral and non-polar, with threonine, which is neutral and polar, at codon 766 of the PDE6A protein (p.Ala766Thr).

NM_000440.3(PDE6A):c.2296G>A (p.Ala766Thr)

Gene: PDE6A (phosphodiesterase 6A; minus strand). Cytogenetic location: 5q32.
Variant type: single nucleotide variant.
Coding change: c.2296G>A on transcript NM_000440.3 (MANE Select); coding-DNA position 2296, G replaced by A.
Protein change: p.Ala766Thr; replaces alanine 766 with threonine.
Molecular consequence: missense variant.
Genome position (GRCh38, 1-based): chr5:149,866,232, C>T on the plus strand (G>A on the coding strand, the complement: PDE6A is on the minus strand). VCF-style: chr5-149866232-C-T. GRCh37 (hg19) VCF-style: chr5-149245795-C-T.
Other names: c.2053G>A, p.Ala685Thr (NM_001410788.1); short protein forms A685T, A766T.
Identifiers: ClinVar variation 1922745 (VCV001922745.3), dbSNP rs907139209, ClinGen allele CA129052584.